The following is an entry in ClinVar:

NM_000435.3(NOTCH3):c.1607-5C>A

Gene: NOTCH3 (notch receptor 3; minus strand). Cytogenetic location: 19p13.12.
Variant type: single nucleotide variant.
Coding change: c.1607-5C>A on transcript NM_000435.3 (MANE Select); 5 bases into the intron before coding-DNA position 1607, C replaced by A.
Molecular consequence: intron variant.
Genome position (GRCh38, 1-based): chr19:15,187,343, G>T on the plus strand (C>A on the coding strand, the complement: NOTCH3 is on the minus strand). VCF-style: chr19-15187343-G-T. GRCh37 (hg19) VCF-style: chr19-15298154-G-T.
Other names: p.?.
Identifiers: ClinVar variation 447790 (VCV000447790.20), dbSNP rs372869012, ClinGen allele CA9263601.

ClinVar aggregate classification (germline): Benign/Likely benign. Review status: criteria provided, multiple submitters, no conflicts (2 of 4 stars). 7 submissions from 7 submitters: Benign (3); Likely benign (2). 2 of the submissions do not count toward it. Last evaluated 2025-10-15.

Allele frequency attached by ClinVar (database versions not stated): 1000 Genomes Project 0.00060; 1000 Genomes Project 30x 0.00062; gnomAD 0.00074 and 0.00081; TOPMed 0.00089; ESP Exome Variant Server 0.00108.
gnomAD v4.1: 237 of 1,611,474 alleles (0.015%); highest among the groups gnomAD compares: African/African-American, 0.23%; no homozygotes.

Submissions (7):

Women's Health and Genetics/Laboratory Corporation of America, LabCorp
Classification: Benign. Last evaluated: 2025-10-15. Review status: criteria provided, single submitter. Criteria: LabCorp Variant Classification Summary - May 2015. Collection method: clinical testing. Allele origin: germline.
Comment: Variant summary: NOTCH3 c.1607-5C>A alters a non-conserved nucleotide located at a position not widely known to affect splicing. Several computational tools predict a significant impact on normal splicing: One predicts the variant has no significant impact on splicing and three predict the variant weakens a 3' acceptor site. However, these predictions have yet to be confirmed by functional studies. The variant allele was found at a frequency of 0.00023 in 247632 control chromosomes, predominantly at a frequency of 0.0026 within the African or African-American subpopulation in the gnomAD database. The observed variant frequency within African or African-American control individuals in the gnomAD database exceeds the estimated maximal expected allele frequency for disease-causing variants in NOTCH3. To our knowledge, no occurrence of c.1607-5C>A in individuals affected with NOTCH3-related conditions and no experimental evidence demonstrating its impact on protein function have been reported. ClinVar contains an entry for this variant (Variation ID: 447790). Based on the evidence outlined above, the variant was classified as benign.

Labcorp Genetics (formerly Invitae), Labcorp
Classification: Benign. Last evaluated: 2025-10-07. Review status: criteria provided, single submitter. Criteria: Invitae Variant Classification Sherloc (09022015). Collection method: clinical testing. Allele origin: germline.

Mayo Clinic Laboratories, Mayo Clinic
Classification: Likely benign. Last evaluated: 2025-07-16. Review status: criteria provided, single submitter. Criteria: ACMG Guidelines, 2015. Collection method: clinical testing. Allele origin: germline. Observed: 4 variant alleles.
Comment: BS1, BP4, BP7

ARUP Laboratories, Molecular Genetics and Genomics, ARUP Laboratories
Classification: Likely benign. Last evaluated: 2019-03-01. Review status: criteria provided, single submitter. Criteria: ARUP Molecular Germline Variant Investigation Process. Collection method: clinical testing. Allele origin: germline.

Athena Diagnostics
Classification: Benign. Last evaluated: 2016-11-15. Review status: criteria provided, single submitter. Criteria: Athena Diagnostics Criteria. Collection method: clinical testing. Allele origin: germline.

Genome Diagnostics Laboratory, Amsterdam University Medical Center
Classification: Likely benign. Review status: no assertion criteria provided. Collection method: clinical testing. Allele origin: germline. Affected: yes. Study: VKGL Data-share Consensus. Not counted in ClinVar's aggregate classification.

Laboratory of Diagnostic Genome Analysis, Leiden University Medical Center (LUMC)
Classification: Likely benign. Review status: no assertion criteria provided. Collection method: clinical testing. Allele origin: germline. Affected: yes. Study: VKGL Data-share Consensus. Not counted in ClinVar's aggregate classification.